The following is an entry in ClinVar:

ClinVar aggregate classification (germline): Uncertain significance (1 of 4 stars; one submission).

gnomAD v4.1: 10 of 1,611,294 alleles (0.00062%); highest among the groups gnomAD compares: Non-Finnish European, 0.00085%; no homozygotes.

Submission:

Labcorp Genetics (formerly Invitae), Labcorp
Classification: Uncertain significance. Last evaluated: 2022-11-29. Review status: criteria provided, single submitter. Criteria: Invitae Variant Classification Sherloc (09022015). Collection method: clinical testing. Allele origin: germline.
Comment: In summary, the available evidence is currently insufficient to determine the role of this variant in disease. Therefore, it has been classified as a Variant of Uncertain Significance. Algorithms developed to predict the effect of missense changes on protein structure and function (SIFT, PolyPhen-2, Align-GVGD) all suggest that this variant is likely to be tolerated. This variant has not been reported in the literature in individuals affected with ATR-related conditions. This variant is not present in population databases (gnomAD no frequency). This sequence change replaces valine, which is neutral and non-polar, with leucine, which is neutral and non-polar, at codon 212 of the ATR protein (p.Val212Leu).

NM_001184.4(ATR):c.634G>C (p.Val212Leu)

Gene: ATR (ATR checkpoint kinase; minus strand). Cytogenetic location: 3q23.
Variant type: single nucleotide variant.
Coding change: c.634G>C on transcript NM_001184.4 (MANE Select); coding-DNA position 634, G replaced by C.
Protein change: p.Val212Leu; replaces valine 212 with leucine.
Molecular consequence: missense variant.
Genome position (GRCh38, 1-based): chr3:142,562,768, C>G on the plus strand (G>C on the coding strand, the complement: ATR is on the minus strand). VCF-style: chr3-142562768-C-G. GRCh37 (hg19) VCF-style: chr3-142281610-C-G.
Other names: c.634G>C, p.Val212Leu (NM_001354579.2); short protein forms V212L.
Identifiers: ClinVar variation 2910033 (VCV002910033.3), dbSNP rs769867385, ClinGen allele CA354826183.